The following is an entry in ClinVar:

NM_000094.4(COL7A1):c.102_111del (p.Tyr35fs)

Gene: COL7A1 (collagen type VII alpha 1 chain; minus strand). Cytogenetic location: 3p21.31.
Variant type: Deletion.
Coding change: c.102_111del on transcript NM_000094.4 (MANE Select); coding-DNA positions 102 to 111, 10 bases deleted (TTACGCCGCT; older notation c.102_111delTTACGCCGCT).
Protein change: p.Tyr35fs; shifts the reading frame from tyrosine 35.
Molecular consequence: frameshift variant.
Genome position (GRCh38, 1-based): chr3:48,594,523-48,594,532, AGCGGCGTAA deleted on the plus strand (TTACGCCGCT on the coding strand, the reverse complement: COL7A1 is on the minus strand); deleting any 10 consecutive bases within chr3:48,594,523-48,594,534 gives the same sequence; the c. name uses the placement nearest the transcript's 3' end. VCF-style (leftmost placement, unchanged base first): chr3-48594522-CAGCGGCGTAA-C. GRCh37 (hg19) VCF-style: chr3-48631955-CAGCGGCGTAA-C.
Other names: short protein forms Y35fs.
Identifiers: ClinVar variation 5014217 (VCV005014217.1).

ClinVar aggregate classification (germline): Pathogenic (1 of 4 stars; one submission).

Conditions:
Recessive dystrophic epidermolysis bullosa (RDEB). Also called: DYSTROPHIC EPIDERMOLYSIS BULLOSA, AUTOSOMAL RECESSIVE; EPIDERMOLYSIS BULLOSA DYSTROPHICA, HALLOPEAU-SIEMENS TYPE; Hallopeau-Siemens Disease; severe generalized recessive dystrophic epidermolysis bullosa; EPIDERMOLYSIS BULLOSA DYSTROPHICA, GENERALIZED SEVERE, AUTOSOMAL RECESSIVE; Epidermolysis Bullosa Distrophica Autosomal Recessive (RDEB). Identifiers: Orphanet 79408, Orphanet 79409, MedGen C0079474, MONDO:0009179, OMIM 226600.

Submission:

Myriad Genetics, Inc.
Classification: Pathogenic for Recessive dystrophic epidermolysis bullosa. Last evaluated: 2025-03-14. Review status: criteria provided, single submitter. Criteria: Myriad Autosomal Dominant, Autosomal Recessive and X-Linked Classification Criteria (2023). Collection method: clinical testing. Allele origin: unknown.
Comment: NM_000094.3(COL7A1):c.102_111del10(Y35Tfs*66) is expected to be pathogenic in the context of dystrophic epidermolysis bullosa. This variant is predicted to lead to an abnormal or absent protein product due to the creation of a premature termination codon in COL7A1, a gene where loss-of-function variants are known to be pathogenic. Please note: this variant was assessed in the context of healthy population screening.